The following is an entry in ClinVar:

NM_013444.4(UBQLN2):c.492C>T (p.Phe164=)

Genes: UBQLN2 (ubiquilin 2; plus strand), LOC130068339 (ATAC-STARR-seq lymphoblastoid active region 29687; plus strand). Cytogenetic location: Xp11.21.
Variant type: single nucleotide variant.
Coding change: c.492C>T on transcript NM_013444.4 (MANE Select); coding-DNA position 492, C replaced by T.
Protein change: p.Phe164=; no amino-acid change (phenylalanine 164 retained).
Molecular consequence: synonymous variant.
Genome position (GRCh38, 1-based): chrX:56,564,365, C>T. VCF-style: chrX-56564365-C-T. GRCh37 (hg19) VCF-style: chrX-56590798-C-T.
Identifiers: ClinVar variation 4682331 (VCV004682331.2).

ClinVar aggregate classification (germline): Uncertain significance. Review status: criteria provided, multiple submitters, no conflicts (2 of 4 stars). 2 submissions from 2 submitters: Uncertain significance (2). Last evaluated 2025-10-03.

Conditions:
Amyotrophic lateral sclerosis type 15. Also called: AMYOTROPHIC LATERAL SCLEROSIS 15 WITH FRONTOTEMPORAL DEMENTIA. Identifiers: Orphanet 803, MedGen C3275459, MONDO:0010459, OMIM 300857.

Submissions (2):

Athena Diagnostics
Classification: Uncertain significance. Last evaluated: 2025-10-03. Review status: criteria provided, single submitter. Criteria: Athena Diagnostics Criteria. Collection method: clinical testing. Allele origin: unknown.
Comment: Available data are insufficient to determine the clinical significance of the variant at this time. This variant has not been reported in large, multi-ethnic general populations. Computational tools yielded predictions that this variant is unlikely to have an effect on normal RNA splicing.

Labcorp Genetics (formerly Invitae), Labcorp
Classification: Uncertain significance for Amyotrophic lateral sclerosis type 15. Last evaluated: 2025-09-23. Review status: criteria provided, single submitter. Criteria: Invitae Variant Classification Sherloc (09022015). Collection method: clinical testing. Allele origin: germline.
Comment: This sequence change affects codon 164 of the UBQLN2 mRNA. It is a 'silent' change, meaning that it does not change the encoded amino acid sequence of the UBQLN2 protein. This variant is not present in population databases (gnomAD no frequency). This variant has not been reported in the literature in individuals affected with UBQLN2-related conditions. In summary, the available evidence is currently insufficient to determine the role of this variant in disease. Therefore, it has been classified as a Variant of Uncertain Significance.